The following is an entry in ClinVar:

ClinVar aggregate classification (germline): Likely benign (1 of 4 stars; one submission).

Submission:

CeGaT Center for Human Genetics Tuebingen
Classification: Likely benign. Last evaluated: 2023-11-01. Review status: criteria provided, single submitter. Criteria: CeGaT Center For Human Genetics Tuebingen Variant Classification Criteria Version 2. Collection method: clinical testing. Allele origin: germline. Affected: yes. Observed: 1 variant allele.
Comment: TBX22: PM2:Supporting, BP4, BP7

NM_001109878.2(TBX22):c.456T>C (p.Tyr152=)

Gene: TBX22 (T-box transcription factor 22). Cytogenetic location: Xq21.1.
Variant type: single nucleotide variant.
Coding change: c.456T>C on transcript NM_001109878.2 (MANE Select); coding-DNA position 456, T replaced by C.
Protein change: p.Tyr152=; no amino-acid change (tyrosine 152 retained).
Molecular consequence: synonymous variant.
Genome position (GRCh38, 1-based): chrX:80,024,162, T>C. VCF-style: chrX-80024162-T-C. GRCh37 (hg19) VCF-style: chrX-79279661-T-C.
Other names: c.96T>C, p.Tyr32= (NM_001109879.2, NM_001303475.1); c.456T>C, p.Tyr152= (NM_016954.2).
Identifiers: ClinVar variation 2660977 (VCV002660977.24), dbSNP rs2519857152, ClinGen allele CA517402876.